The following is an entry in ClinVar:

ClinVar aggregate classification (germline): Uncertain significance (1 of 4 stars; one submission).

Allele frequency attached by ClinVar (database versions not stated): TOPMed below 0.00001; gnomAD 0.00001.
gnomAD v4.1: 24 of 1,613,746 alleles (0.0015%); highest among the groups gnomAD compares: Non-Finnish European, 0.0019%; no homozygotes.

Submission:

Labcorp Genetics (formerly Invitae), Labcorp
Classification: Uncertain significance. Last evaluated: 2025-07-02. Review status: criteria provided, single submitter. Criteria: Invitae Variant Classification Sherloc (09022015). Collection method: clinical testing. Allele origin: germline.
Comment: This sequence change replaces valine, which is neutral and non-polar, with phenylalanine, which is neutral and non-polar, at codon 709 of the COL7A1 protein (p.Val709Phe). This variant is present in population databases (rs758686564, gnomAD 0.002%). This variant has not been reported in the literature in individuals affected with COL7A1-related conditions. ClinVar contains an entry for this variant (Variation ID: 1445414). Invitae Evidence Modeling of protein sequence and biophysical properties (such as structural, functional, and spatial information, amino acid conservation, physicochemical variation, residue mobility, and thermodynamic stability) indicates that this missense variant is not expected to disrupt COL7A1 protein function with a negative predictive value of 95%. In summary, the available evidence is currently insufficient to determine the role of this variant in disease. Therefore, it has been classified as a Variant of Uncertain Significance.

NM_000094.4(COL7A1):c.2125G>T (p.Val709Phe)

Gene: COL7A1 (collagen type VII alpha 1 chain; minus strand). Cytogenetic location: 3p21.31.
Variant type: single nucleotide variant.
Coding change: c.2125G>T on transcript NM_000094.4 (MANE Select); coding-DNA position 2125, G replaced by T.
Protein change: p.Val709Phe; replaces valine 709 with phenylalanine.
Molecular consequence: missense variant.
Genome position (GRCh38, 1-based): chr3:48,589,644, C>A on the plus strand (G>T on the coding strand, the complement: COL7A1 is on the minus strand). VCF-style: chr3-48589644-C-A. GRCh37 (hg19) VCF-style: chr3-48627077-C-A.
Other names: short protein forms V709F.
Identifiers: ClinVar variation 1445414 (VCV001445414.8), dbSNP rs758686564, ClinGen allele CA2380983.